The following is an entry in ClinVar:

NM_020975.6(RET):c.3182T>C (p.Leu1061Pro)

Gene: RET (ret proto-oncogene; plus strand). Cytogenetic location: 10q11.21.
Variant type: single nucleotide variant.
Coding change: c.3182T>C on transcript NM_020975.6 (MANE Select); coding-DNA position 3182, T replaced by C.
Protein change: p.Leu1061Pro; replaces leucine 1061 with proline.
Molecular consequence: missense variant.
Genome position (GRCh38, 1-based): chr10:43,126,717, T>C. VCF-style: chr10-43126717-T-C. GRCh37 (hg19) VCF-style: chr10-43622165-T-C.
Other names: c.3182T>C, p.Leu1061Pro (NM_000323.2, NM_001406743.1, NM_001406744.1 and 2 more transcripts); c.2420T>C, p.Leu807Pro (NM_001355216.2); c.3053T>C, p.Leu1018Pro (NM_001406761.1, NM_001406762.1, NM_001406764.1); c.3047T>C, p.Leu1016Pro (NM_001406763.1, NM_001406765.1); c.2894T>C, p.Leu965Pro (NM_001406766.1, NM_001406767.1, NM_001406770.1); c.2918T>C, p.Leu973Pro (NM_001406768.1); c.2786T>C, p.Leu929Pro (NM_001406769.1, NM_001406772.1); c.2744T>C, p.Leu915Pro (NM_001406771.1, NM_001406773.1); and 10 more; short protein forms L1061P, L807P, L578P, L626P, L719P, L722P, L819P, L965P.
Identifiers: ClinVar variation 216725 (VCV000216725.18), dbSNP rs536486113, ClinGen allele CA042952.

ClinVar aggregate classification (germline): Uncertain significance. Review status: criteria provided, multiple submitters, no conflicts (2 of 4 stars). 8 submissions from 8 submitters: Uncertain significance (7). 1 of the submissions does not count toward it. Last evaluated 2025-07-09.

Conditions:
Hereditary cancer-predisposing syndrome. Also called: Hereditary Cancer Syndrome; Hereditary neoplastic syndrome; Neoplastic Syndromes, Hereditary; Tumor predisposition. Identifiers: Orphanet 140162, MedGen C0027672, MeSH D009386, MONDO:0015356.
Multiple endocrine neoplasia, type 2 (MEN2). Identifiers: Orphanet 653, MedGen C4048306, MONDO:0019003. Disease mechanism: gain of function.
Multiple endocrine neoplasia type 2A. Also called: Multiple Endocrine Neoplasia Type 2A (MEN2A); MULTIPLE ENDOCRINE NEOPLASIA, TYPE IIA; PTC SYNDROME; SIPPLE SYNDROME; MEN 2A; MEN-2A syndrome. Identifiers: Orphanet 247698, Orphanet 653, MedGen C0025268, MeSH D018813, MONDO:0008234, OMIM 171400.
Hirschsprung disease, susceptibility to, 1 (HSCR1). Also called: RET-Related Hirschsprung Disease. Identifiers: Orphanet 388, MedGen C3888239, MONDO:0007723, OMIM 142623.

Allele frequency attached by ClinVar (database versions not stated): ExAC 0.00001; 1000 Genomes Project 30x 0.00016; 1000 Genomes Project 0.00020.
gnomAD v4.1: 9 of 1,613,892 alleles (0.00056%); highest among the groups gnomAD compares: Non-Finnish European, 0.00068%; no homozygotes.

Submissions (8):

Labcorp Genetics (formerly Invitae), Labcorp
Classification: Uncertain significance for Multiple endocrine neoplasia, type 2. Last evaluated: 2025-07-09. Review status: criteria provided, single submitter. Criteria: Invitae Variant Classification Sherloc (09022015). Collection method: clinical testing. Allele origin: germline.
Comment: This sequence change replaces leucine, which is neutral and non-polar, with proline, which is neutral and non-polar, at codon 1061 of the RET protein (p.Leu1061Pro). This variant is present in population databases (rs536486113, gnomAD 0.003%). This missense change has been observed in individual(s) with Hirschsprung disease (PMID: 10484767). ClinVar contains an entry for this variant (Variation ID: 216725). An algorithm developed to predict the effect of missense changes on protein structure and function (PolyPhen-2) suggests that this variant is likely to be disruptive. Experimental studies have shown that this missense change affects RET function (PMID: 10465268, 10484767, 11313948, 11390647, 39009827). In summary, the available evidence is currently insufficient to determine the role of this variant in disease. Therefore, it has been classified as a Variant of Uncertain Significance.

Ambry Genetics
Classification: Uncertain significance for Hereditary cancer-predisposing syndrome. Last evaluated: 2025-01-02. Review status: criteria provided, single submitter. Criteria: Ambry Variant Classification Scheme 2023. Collection method: clinical testing. Allele origin: germline.
Comment: The p.L1061P variant (also known as c.3182T>C), located in coding exon 19 of the RET gene, results from a T to C substitution at nucleotide position 3182. The leucine at codon 1061 is replaced by proline, an amino acid with similar properties. This variant has been previously reported in at least one family with multiple individuals diagnosed with Hirschsprung disease (Geneste O et al. Hum. Mol. Genet., 1999 Oct;8:1989-99, Hofstra RM et al. Hum Mutat, 2000;15:418-29). In addition, the variant has been reported to result in a partial reduction in RET activity, demonstrating reduced binding to Shc, FRS2, and IRS-1, resulting in impaired downstream signaling as assessed in cell lines in-vitro. However, these functional studies were performed in cells also expressing the known constitutively active mutation p.C634R, therefore the clinical relevance of these findings is not known (Geneste O et al. Hum Mol Genet, 1999 Oct;8:1989-99, Melillo RM et al. Mol Cell Biol, 2001 Jul;21:4177-87, Melillo RM et al. Oncogene, 2001 Jan;20:209-18, Ishiguro Y et al. Endocrinology, 1999 Sep;140:3992-8). This amino acid position is highly conserved in available vertebrate species. In addition, this alteration is predicted to be deleterious by in silico analysis. Based on the available evidence, the clinical significance of this variant remains unclear.

Quest Diagnostics Nichols Institute San Juan Capistrano
Classification: Uncertain significance. Last evaluated: 2024-02-24. Review status: criteria provided, single submitter. Criteria: Quest Diagnostics criteria. Collection method: clinical testing. Allele origin: unknown.

Color Diagnostics, LLC DBA Color Health
Classification: Uncertain significance for Multiple endocrine neoplasia, type 2. Last evaluated: 2023-12-07. Review status: criteria provided, single submitter. Criteria: ACMG Guidelines, 2015. Collection method: clinical testing. Allele origin: germline.
Comment: This missense variant replaces leucine with proline at codon 1061 of the RET protein. Computational prediction suggests that this variant may have deleterious impact on protein structure and function. Functional studies with a double-RET mutant L1061P/C634R indicated that this variant impaired RET kinase activity when expressed in transformed mammalian cells (PMID: 10465268, 10484767, 11313948, 11390647). This variant has been reported in individuals affected with Hirschsprung's disease (PMID: 10484767). This variant has been identified in 1/251014 chromosomes in the general population by the Genome Aggregation Database (gnomAD). The available evidence is insufficient to determine the role of this variant in disease conclusively. Therefore, this variant is classified as a Variant of Uncertain Significance.

Baylor Genetics
Classification: Uncertain significance for Hirschsprung disease, susceptibility to, 1. Last evaluated: 2023-05-19. Review status: criteria provided, single submitter. Criteria: ACMG Guidelines, 2015. Collection method: clinical testing. Allele origin: unknown.

Mendelics
Classification: Uncertain significance for Multiple endocrine neoplasia type 2A. Last evaluated: 2019-05-28. Review status: criteria provided, single submitter. Criteria: Mendelics Assertion Criteria 2017. Collection method: clinical testing. Allele origin: unknown.

Laboratory for Molecular Medicine, Mass General Brigham Personalized Medicine
Classification: Uncertain significance. Last evaluated: 2016-12-16. Review status: criteria provided, single submitter. Criteria: LMM Criteria. Collection method: clinical testing. Allele origin: germline.
Comment: Variant identified in a genome or exome case(s) and assessed due to predicted null impact of the variant or pathogenic assertions in the literature or databases. Disclaimer: This variant has not undergone full assessment. The following are preliminary notes: This variant has been reported in a consanguinous family in the homozygous state in siblings and heterozygous state in a cousin with Hirschprung's disease. It has not been seen in individuals with MEN2A. It was found to partially inhibit the Shc-RET interaction by in vitro studies, which affects the ability of RET to transmit downstream signals. This variant is classified in ClinVar with 1 star as VUS by Invitae. The variant has a Max MAF of 0.009% in ExAC (1 allele) and 0.003% in gnomAD (1 allele).

Counsyl
Classification: Uncertain significance for Multiple endocrine neoplasia type 2A. Last evaluated: 2017-09-27. Review status: no assertion criteria provided. Collection method: clinical testing. Allele origin: unknown. Not counted in ClinVar's aggregate classification.

Literature cited by the submitters: PubMed 10484767 (cited by 4 submitters); PubMed 10465268 (cited by 4 submitters); PubMed 11313948 (cited by 4 submitters); PubMed 11390647 (cited by 3 submitters); PubMed 39009827 (cited by Labcorp Genetics (formerly Invitae), Labcorp); PubMed 10790203 (cited by Ambry Genetics and Quest Diagnostics Nichols Institute San Juan Capistrano).